The following is an entry in ClinVar:

NM_005591.4(MRE11):c.1700A>C (p.Asn567Thr)

Gene: MRE11 (MRE11 double strand break repair nuclease; minus strand). Cytogenetic location: 11q21.
Variant type: single nucleotide variant.
Coding change: c.1700A>C on transcript NM_005591.4 (MANE Select); coding-DNA position 1700, A replaced by C.
Protein change: p.Asn567Thr; replaces asparagine 567 with threonine.
Molecular consequence: missense variant.
Genome position (GRCh38, 1-based): chr11:94,447,302, T>G on the plus strand (A>C on the coding strand, the complement: MRE11 is on the minus strand). VCF-style: chr11-94447302-T-G. GRCh37 (hg19) VCF-style: chr11-94180468-T-G.
Other names: c.1700A>C, p.Asn567Thr (NM_001330347.2, NM_005590.4); short protein forms N567T.
Identifiers: ClinVar variation 3912885 (VCV003912885.1).

ClinVar aggregate classification (germline): Uncertain significance (1 of 4 stars; one submission).

Conditions:
Hereditary cancer-predisposing syndrome. Also called: Hereditary Cancer Syndrome; Hereditary neoplastic syndrome; Neoplastic Syndromes, Hereditary; Tumor predisposition. Identifiers: Orphanet 140162, MedGen C0027672, MeSH D009386, MONDO:0015356.

gnomAD v4.1: 2 of 1,614,088 alleles (0.00012%); highest among the groups gnomAD compares: South Asian, 0.0022%; no homozygotes.

Submission:

Ambry Genetics
Classification: Uncertain significance for Hereditary cancer-predisposing syndrome. Last evaluated: 2025-05-19. Review status: criteria provided, single submitter. Criteria: Ambry Variant Classification Scheme 2023. Collection method: clinical testing. Allele origin: germline.
Comment: The p.N567T variant (also known as c.1700A>C), located in coding exon 14 of the MRE11A gene, results from an A to C substitution at nucleotide position 1700. The asparagine at codon 567 is replaced by threonine, an amino acid with similar properties. This amino acid position is conserved. In addition, this alteration is predicted to be tolerated by in silico analysis. Based on the available evidence, the clinical significance of this variant remains unclear.